The following is an entry in ClinVar:

NM_152268.4(PARS2):c.1158C>T (p.Ala386=)

Gene: PARS2 (prolyl-tRNA synthetase 2, mitochondrial; minus strand). Cytogenetic location: 1p32.3.
Variant type: single nucleotide variant.
Coding change: c.1158C>T on transcript NM_152268.4 (MANE Select); coding-DNA position 1158, C replaced by T.
Protein change: p.Ala386=; no amino-acid change (alanine 386 retained).
Molecular consequence: synonymous variant.
Genome position (GRCh38, 1-based): chr1:54,758,004, G>A on the plus strand (C>T on the coding strand, the complement: PARS2 is on the minus strand). VCF-style: chr1-54758004-G-A. GRCh37 (hg19) VCF-style: chr1-55223677-G-A.
Identifiers: ClinVar variation 381172 (VCV000381172.38), dbSNP rs143717155, ClinGen allele CA869353.

ClinVar aggregate classification (germline): Benign/Likely benign. Review status: criteria provided, multiple submitters, no conflicts (2 of 4 stars). 5 submissions from 5 submitters: Benign (1); Likely benign (3). 1 of the submissions does not count toward it. Last evaluated 2026-09-01.

Conditions:
PARS2-related disorder.

Allele frequency attached by ClinVar (database versions not stated): gnomAD 0.00105 and 0.00108; TOPMed 0.00108; gnomAD exomes 0.00110 and 0.00113; ESP Exome Variant Server 0.00115; 1000 Genomes Project 30x 0.00016; 1000 Genomes Project 0.00020; ExAC 0.00097.
gnomAD v4.1: 1,792 of 1,614,174 alleles (0.11%); highest among the groups gnomAD compares: Admixed American, 0.21%; 1 homozygote.

Submissions (5):

CeGaT Center for Human Genetics Tuebingen
Classification: Likely benign. Last evaluated: 2026-09-01. Review status: criteria provided, single submitter. Criteria: CeGaT Center For Human Genetics Tuebingen Variant Classification Criteria Version 2. Collection method: clinical testing. Allele origin: germline. Affected: yes. Observed: 6 variant alleles.
Comment: PARS2: BP4, BP7

Labcorp Genetics (formerly Invitae), Labcorp
Classification: Benign. Last evaluated: 2026-01-19. Review status: criteria provided, single submitter. Criteria: Invitae Variant Classification Sherloc (09022015). Collection method: clinical testing. Allele origin: germline.

Blueprint Genetics
Classification: Likely benign. Last evaluated: 2024-11-11. Review status: criteria provided, single submitter. Criteria: ACMG Guidelines, 2015. Collection method: clinical testing. Allele origin: germline.

GeneDx
Classification: Likely benign. Last evaluated: 2021-10-09. Review status: criteria provided, single submitter. Criteria: GeneDx Variant Classification Process June 2021. Collection method: clinical testing. Allele origin: germline. Affected: yes.

PreventionGenetics, part of Exact Sciences
Classification: Likely benign for PARS2-related condition. Last evaluated: 2019-07-19. Review status: no assertion criteria provided. Collection method: clinical testing. Allele origin: germline. Not counted in ClinVar's aggregate classification.
Comment: This variant is classified as likely benign based on ACMG/AMP sequence variant interpretation guidelines (Richards et al. 2015 PMID: 25741868, with internal and published modifications).